The following is an entry in ClinVar:

NM_020461.4(TUBGCP6):c.5333A>C (p.Asn1778Thr)

Gene: TUBGCP6 (tubulin gamma complex component 6; minus strand). Cytogenetic location: 22q13.33.
Variant type: single nucleotide variant.
Coding change: c.5333A>C on transcript NM_020461.4 (MANE Select); coding-DNA position 5333, A replaced by C.
Protein change: p.Asn1778Thr; replaces asparagine 1778 with threonine.
Molecular consequence: missense variant.
Genome position (GRCh38, 1-based): chr22:50,217,953, T>G on the plus strand (A>C on the coding strand, the complement: TUBGCP6 is on the minus strand). VCF-style: chr22-50217953-T-G. GRCh37 (hg19) VCF-style: chr22-50656382-T-G.
Other names: short protein forms N1778T.
Identifiers: ClinVar variation 1498318 (VCV001498318.6), dbSNP rs770565223, ClinGen allele CA10307072.

ClinVar aggregate classification (germline): Uncertain significance (1 of 4 stars; one submission).

Allele frequency attached by ClinVar (database versions not stated): TOPMed 0.00001; gnomAD exomes 0.00002 and 0.00004; ExAC 0.00003.
gnomAD v4.1: 53 of 1,610,054 alleles (0.0033%); highest among the groups gnomAD compares: Non-Finnish European, 0.0042%; no homozygotes.

Submission:

Labcorp Genetics (formerly Invitae), Labcorp
Classification: Uncertain significance. Last evaluated: 2024-10-29. Review status: criteria provided, single submitter. Criteria: Invitae Variant Classification Sherloc (09022015). Collection method: clinical testing. Allele origin: germline.
Comment: This sequence change replaces asparagine, which is neutral and polar, with threonine, which is neutral and polar, at codon 1778 of the TUBGCP6 protein (p.Asn1778Thr). This variant is present in population databases (rs770565223, gnomAD 0.004%). This variant has not been reported in the literature in individuals affected with TUBGCP6-related conditions. ClinVar contains an entry for this variant (Variation ID: 1498318). An algorithm developed to predict the effect of missense changes on protein structure and function (PolyPhen-2) suggests that this variant is likely to be tolerated. In summary, the available evidence is currently insufficient to determine the role of this variant in disease. Therefore, it has been classified as a Variant of Uncertain Significance.